The following is an entry in ClinVar:

NM_001128148.3(TFRC):c.2005T>C (p.Phe669Leu)

Gene: TFRC (transferrin receptor; minus strand). Cytogenetic location: 3q29.
Variant type: single nucleotide variant.
Coding change: c.2005T>C on transcript NM_001128148.3 (MANE Select); coding-DNA position 2005, T replaced by C.
Protein change: p.Phe669Leu; replaces phenylalanine 669 with leucine.
Molecular consequence: missense variant.
Genome position (GRCh38, 1-based): chr3:196,053,453, A>G on the plus strand (T>C on the coding strand, the complement: TFRC is on the minus strand). VCF-style: chr3-196053453-A-G. GRCh37 (hg19) VCF-style: chr3-195780324-A-G.
Other names: c.1762T>C, p.Phe588Leu (NM_001313965.2); c.1159T>C, p.Phe387Leu (NM_001313966.2); c.2005T>C, p.Phe669Leu (NM_003234.4); short protein forms F387L, F588L, F669L.
Identifiers: ClinVar variation 2186522 (VCV002186522.4), dbSNP rs2473932627, ClinGen allele CA355560666.
Genomic context (GRCh38, chr3:196,053,453, plus strand): 5'-CCTCCTTTCCCAAAAGTTCACTTACTCTCATGACACGATCATTGAGTTTCTTCATGACAA[A>G]TCTGTCTGTTTTCTCAGCATTCCCGAAATCTGTTGTTAGTCTGGAAGTAGCACGGAAGAA-3'
Protein context (NP_001121620.1, residues 659-679): DFGNAEKTDR[Phe669Leu]VMKKLNDRVM

ClinVar aggregate classification (germline): Uncertain significance (1 of 4 stars; one submission).

Allele frequency attached by ClinVar (database versions not stated): gnomAD exomes below 0.00001.
gnomAD v4.1: 4 of 1,614,172 alleles (0.00025%); highest among the groups gnomAD compares: Non-Finnish European, 0.00034%; no homozygotes.

Submission:

Labcorp Genetics (formerly Invitae), Labcorp
Classification: Uncertain significance. Last evaluated: 2022-10-15. Review status: criteria provided, single submitter. Criteria: Invitae Variant Classification Sherloc (09022015). Collection method: clinical testing. Allele origin: germline.
Comment: This sequence change replaces phenylalanine, which is neutral and non-polar, with leucine, which is neutral and non-polar, at codon 669 of the TFRC protein (p.Phe669Leu). Advanced modeling of protein sequence and biophysical properties (such as structural, functional, and spatial information, amino acid conservation, physicochemical variation, residue mobility, and thermodynamic stability) performed at Invitae indicates that this missense variant is not expected to disrupt TFRC protein function. In summary, the available evidence is currently insufficient to determine the role of this variant in disease. Therefore, it has been classified as a Variant of Uncertain Significance. This variant is not present in population databases (gnomAD no frequency). This variant has not been reported in the literature in individuals affected with TFRC-related conditions.